The following is an entry in ClinVar:

NM_018136.5(ASPM):c.6514G>A (p.Val2172Ile)

Gene: ASPM (assembly factor for spindle microtubules; minus strand). Cytogenetic location: 1q31.3.
Variant type: single nucleotide variant.
Coding change: c.6514G>A on transcript NM_018136.5 (MANE Select); coding-DNA position 6514, G replaced by A.
Protein change: p.Val2172Ile; replaces valine 2172 with isoleucine.
Molecular consequence: missense variant. On other transcripts: intron variant (1).
Genome position (GRCh38, 1-based): chr1:197,102,737, C>T on the plus strand (G>A on the coding strand, the complement: ASPM is on the minus strand). VCF-style: chr1-197102737-C-T. GRCh37 (hg19) VCF-style: chr1-197071867-C-T.
Other names: c.4066-6573G>A (NM_001206846.2); short protein forms V2172I.
Identifiers: ClinVar variation 379093 (VCV000379093.5), dbSNP rs370590014, ClinGen allele CA1309578.
Genomic context (GRCh38, chr1:197,102,737, plus strand): 5'-CAGTCTGCATCTTTCTAAGAGTCCGTCTAACTCTTACTCCTCTAAAACTTGCCTGAAGGA[C>T]TTTAACAGCTTTCAAAATTGTCAGGTACTTTTCACGCTGCATTTTACCTTGATAATATGC-3'
Protein context (NP_060606.3, residues 2162-2182): KYLTILKAVK[Val2172Ile]LQASFRGVRV

ClinVar aggregate classification (germline): Conflicting classifications of pathogenicity. Review status: criteria provided, conflicting classifications (1 of 4 stars). 4 submissions from 4 submitters: Uncertain significance (1); Likely benign (3). Last evaluated 2024-02-09.

Conditions:
Inborn genetic diseases. Identifiers: MedGen C0950123, MeSH D030342.
Microcephaly 5, primary, autosomal recessive (MCPH5). Also called: ASPM Primary Microcephaly. Identifiers: Orphanet 2512, MedGen C1837501, MONDO:0012106, OMIM 608716.

Allele frequency attached by ClinVar (database versions not stated): gnomAD exomes 0.00002 and 0.00004; ExAC 0.00006; gnomAD 0.00014 and 0.00016; 1000 Genomes Project 30x 0.00016; 1000 Genomes Project 0.00020; TOPMed 0.00020; ESP Exome Variant Server 0.00023.
gnomAD v4.1: 46 of 1,612,626 alleles (0.0029%); highest among the groups gnomAD compares: African/African-American, 0.056%; no homozygotes.

Submissions (4):

Labcorp Genetics (formerly Invitae), Labcorp
Classification: Uncertain significance. Last evaluated: 2024-02-09. Review status: criteria provided, single submitter. Criteria: Invitae Variant Classification Sherloc (09022015). Collection method: clinical testing. Allele origin: germline.
Comment: This sequence change replaces valine, which is neutral and non-polar, with isoleucine, which is neutral and non-polar, at codon 2172 of the ASPM protein (p.Val2172Ile). This variant is present in population databases (rs370590014, gnomAD 0.05%). This variant has not been reported in the literature in individuals affected with ASPM-related conditions. ClinVar contains an entry for this variant (Variation ID: 379093). Advanced modeling of protein sequence and biophysical properties (such as structural, functional, and spatial information, amino acid conservation, physicochemical variation, residue mobility, and thermodynamic stability) performed at Invitae indicates that this missense variant is not expected to disrupt ASPM protein function with a negative predictive value of 80%. In summary, the available evidence is currently insufficient to determine the role of this variant in disease. Therefore, it has been classified as a Variant of Uncertain Significance.

Genome-Nilou Lab
Classification: Likely benign for Microcephaly 5, primary, autosomal recessive. Last evaluated: 2023-04-11. Review status: criteria provided, single submitter. Criteria: ACMG Guidelines, 2015. Collection method: clinical testing. Allele origin: germline. Affected: no.

Ambry Genetics
Classification: Likely benign for Inborn genetic diseases. Last evaluated: 2023-03-01. Review status: criteria provided, single submitter. Criteria: Ambry Variant Classification Scheme 2023. Collection method: clinical testing. Allele origin: germline.

GeneDx
Classification: Likely benign. Last evaluated: 2016-05-23. Review status: criteria provided, single submitter. Criteria: GeneDx Variant Classification (06012015). Collection method: clinical testing. Allele origin: germline. Affected: yes.
Comment: This variant is considered likely benign or benign based on one or more of the following criteria: it is a conservative change, it occurs at a poorly conserved position in the protein, it is predicted to be benign by multiple in silico algorithms, and/or has population frequency not consistent with disease.